The following is an entry in ClinVar:

NM_138694.4(PKHD1):c.5261_5262del (p.His1754fs)

Gene: PKHD1 (PKHD1 ciliary IPT domain containing fibrocystin/polyductin; minus strand). Cytogenetic location: 6p12.2.
Variant type: Deletion.
Coding change: c.5261_5262del on transcript NM_138694.4 (MANE Select); coding-DNA positions 5261 to 5262, 2 bases deleted (AT; older notation c.5261_5262delAT).
Protein change: p.His1754fs; shifts the reading frame from histidine 1754.
Molecular consequence: frameshift variant.
Genome position (GRCh38, 1-based): chr6:52,022,919-52,022,920, AT deleted on the plus strand (AT on the coding strand, the reverse complement: PKHD1 is on the minus strand). VCF-style (leftmost placement, unchanged base first): chr6-52022918-CAT-C. GRCh37 (hg19) VCF-style: chr6-51887716-CAT-C.
Other names: c.5261_5262del, p.His1754fs (NM_170724.3); short protein forms H1754fs.
Identifiers: ClinVar variation 2098385 (VCV002098385.4), dbSNP rs2532656704, ClinGen allele CA2580075495.
Genomic context (GRCh38, chr6:52,022,918, plus strand): 5'-GGCAGGGAGCACCACACACAGCAGCTGAGACATTCCCTGGAGAAAATCCCGCTCCAAACA[CAT>C]GCACCAGCCTTCCACCCAGGCAGCCTTTAAAGACAAAGGTACAAGTTCTTGATCATACAG-3'

ClinVar aggregate classification (germline): Pathogenic (1 of 4 stars; one submission).

Conditions:
Autosomal recessive polycystic kidney disease (ARPKD). Also called: AR polycystic kidney disease. Identifiers: Orphanet 731, Orphanet 8378, MedGen C0085548, MeSH D017044, MONDO:0009889.

Allele frequency attached by ClinVar (database versions not stated): gnomAD exomes below 0.00001.

Submission:

Labcorp Genetics (formerly Invitae), Labcorp
Classification: Pathogenic for Autosomal recessive polycystic kidney disease. Last evaluated: 2022-11-28. Review status: criteria provided, single submitter. Criteria: Invitae Variant Classification Sherloc (09022015). Collection method: clinical testing. Allele origin: germline.
Comment: This sequence change creates a premature translational stop signal (p.His1754Argfs*25) in the PKHD1 gene. It is expected to result in an absent or disrupted protein product. Loss-of-function variants in PKHD1 are known to be pathogenic (PMID: 19940839). This variant is not present in population databases (gnomAD no frequency). This premature translational stop signal has been observed in individual(s) with polycystic kidney disease (PMID: 33940108). For these reasons, this variant has been classified as Pathogenic.

Literature cited by the submitters: PubMed 19940839; PubMed 33940108.